The following is an entry in ClinVar:

NM_001378418.1(TCF20):c.1394A>G (p.Asn465Ser)

Gene: TCF20 (transcription factor 20; minus strand). Cytogenetic location: 22q13.2.
Variant type: single nucleotide variant.
Coding change: c.1394A>G on transcript NM_001378418.1 (MANE Select); coding-DNA position 1394, A replaced by G.
Protein change: p.Asn465Ser; replaces asparagine 465 with serine.
Molecular consequence: missense variant.
Genome position (GRCh38, 1-based): chr22:42,213,912, T>C on the plus strand (A>G on the coding strand, the complement: TCF20 is on the minus strand). VCF-style: chr22-42213912-T-C. GRCh37 (hg19) VCF-style: chr22-42609918-T-C.
Other names: c.1394A>G (NM_005650.1, NM_005650.3); c.1394A>G, p.Asn465Ser (NM_005650.4, NM_181492.3); short protein forms N465S.
Identifiers: ClinVar variation 2188297 (VCV002188297.7), dbSNP rs776191510, ClinGen allele CA10267193.

ClinVar aggregate classification (germline): Conflicting classifications of pathogenicity. Review status: criteria provided, conflicting classifications (1 of 4 stars). 3 submissions from 3 submitters: Uncertain significance (2); Likely benign (1). Last evaluated 2026-01-13.

Conditions:
TCF20-related disorder. Also called: TCF20-related condition.
Inborn genetic diseases. Identifiers: MedGen C0950123, MeSH D030342.

Allele frequency attached by ClinVar (database versions not stated): TOPMed 0.00004; gnomAD exomes 0.00005; ExAC 0.00006.
gnomAD v4.1: 82 of 1,614,030 alleles (0.0051%); highest among the groups gnomAD compares: South Asian, 0.042%; no homozygotes.

Submissions (3):

PreventionGenetics, part of Exact Sciences
Classification: Uncertain significance for TCF20-related condition. Last evaluated: 2026-01-13. Review status: criteria provided, single submitter. Criteria: ACMG Guidelines, 2015. Collection method: clinical testing. Allele origin: germline.
Comment: The TCF20 c.1394A>G variant is predicted to result in the amino acid substitution p.Asn465Ser. To our knowledge, this variant has not been reported in the literature. This variant is reported in 0.042% of alleles in individuals of South Asian descent in gnomAD. Although we suspect that this variant may be benign, at this time, the clinical significance of this variant is uncertain due to the absence of conclusive functional and genetic evidence.

Labcorp Genetics (formerly Invitae), Labcorp
Classification: Uncertain significance. Last evaluated: 2024-07-18. Review status: criteria provided, single submitter. Criteria: Invitae Variant Classification Sherloc (09022015). Collection method: clinical testing. Allele origin: germline.
Comment: This sequence change replaces asparagine, which is neutral and polar, with serine, which is neutral and polar, at codon 465 of the TCF20 protein (p.Asn465Ser). This variant is present in population databases (rs776191510, gnomAD 0.04%), and has an allele count higher than expected for a pathogenic variant. This variant has not been reported in the literature in individuals affected with TCF20-related conditions. ClinVar contains an entry for this variant (Variation ID: 2188297). An algorithm developed to predict the effect of missense changes on protein structure and function (PolyPhen-2) suggests that this variant is likely to be disruptive. In summary, the available evidence is currently insufficient to determine the role of this variant in disease. Therefore, it has been classified as a Variant of Uncertain Significance.

Ambry Genetics
Classification: Likely benign for Inborn genetic diseases. Last evaluated: 2023-02-27. Review status: criteria provided, single submitter. Criteria: Ambry Variant Classification Scheme 2023. Collection method: clinical testing. Allele origin: germline.